The following is an entry in ClinVar:

NM_052947.4(ALPK2):c.2005C>A (p.Gln669Lys)

Gene: ALPK2 (alpha kinase 2; minus strand). Cytogenetic location: 18q21.31.
Variant type: single nucleotide variant.
Coding change: c.2005C>A on transcript NM_052947.4 (MANE Select); coding-DNA position 2005, C replaced by A.
Protein change: p.Gln669Lys; replaces glutamine 669 with lysine.
Molecular consequence: missense variant.
Genome position (GRCh38, 1-based): chr18:58,538,182, G>T on the plus strand (C>A on the coding strand, the complement: ALPK2 is on the minus strand). VCF-style: chr18-58538182-G-T. GRCh37 (hg19) VCF-style: chr18-56205414-G-T.
Other names: short protein forms Q669K.
Identifiers: ClinVar variation 3228604 (VCV003228604.1), dbSNP rs2518878263, ClinGen allele CA402571915.

ClinVar aggregate classification (germline): Uncertain significance (1 of 4 stars; one submission).

gnomAD v4.1: 1 of 1,612,922 alleles (0.000062%); no homozygotes.

Submission:

Ambry Genetics
Classification: Uncertain significance. Last evaluated: 2023-11-19. Review status: criteria provided, single submitter. Criteria: Ambry Variant Classification Scheme 2023. Collection method: clinical testing. Allele origin: germline.
Comment: The p.Q669K variant (also known as c.2005C>A), located in coding exon 4 of the ALPK2 gene, results from a C to A substitution at nucleotide position 2005. The glutamine at codon 669 is replaced by lysine, an amino acid with similar properties. This amino acid position is conserved. In addition, this alteration is predicted to be tolerated by in silico analysis. Since supporting evidence is limited at this time, the clinical significance of this alteration remains unclear.